The following is an entry in ClinVar:

NM_001105206.3(LAMA4):c.2668-5T>G

Genes: LAMA4 (laminin subunit alpha 4; minus strand), LOC126859766 (MED14-independent group 3 enhancer GRCh37_chr6:112462018-112463217; plus strand). Cytogenetic location: 6q21.
Variant type: single nucleotide variant.
Coding change: c.2668-5T>G on transcript NM_001105206.3 (MANE Select); 5 bases into the intron before coding-DNA position 2668, T replaced by G.
Molecular consequence: intron variant.
Genome position (GRCh38, 1-based): chr6:112,141,508, A>C on the plus strand (T>G on the coding strand, the complement: LAMA4 is on the minus strand). VCF-style: chr6-112141508-A-C. GRCh37 (hg19) VCF-style: chr6-112462710-A-C.
Other names: c.2647-5T>G (NM_002290.5, NM_001105207.3).
Identifiers: ClinVar variation 1794258 (VCV001794258.6), dbSNP rs1388821437, ClinGen allele CA817299262.

ClinVar aggregate classification (germline): Uncertain significance. Review status: criteria provided, multiple submitters, no conflicts (2 of 4 stars). 2 submissions from 2 submitters: Uncertain significance (2). Last evaluated 2025-05-21.

Conditions:
Cardiovascular phenotype. Identifiers: MedGen CN230736.
Dilated cardiomyopathy 1JJ (CMD1JJ). Identifiers: Orphanet 154, MedGen C3808935, MONDO:0014095, OMIM 615235.

Allele frequency attached by ClinVar (database versions not stated): TOPMed 0.00003.
gnomAD v4.1: 2 of 1,581,150 alleles (0.00013%); highest among the groups gnomAD compares: African/African-American, 0.0013%; no homozygotes.

Submissions (2):

Labcorp Genetics (formerly Invitae), Labcorp
Classification: Uncertain significance for Dilated cardiomyopathy 1JJ. Last evaluated: 2025-05-21. Review status: criteria provided, single submitter. Criteria: Invitae Variant Classification Sherloc (09022015). Collection method: clinical testing. Allele origin: germline.
Comment: This sequence change falls in intron 20 of the LAMA4 gene. It does not directly change the encoded amino acid sequence of the LAMA4 protein. This variant is not present in population databases (gnomAD no frequency). This variant has not been reported in the literature in individuals affected with LAMA4-related conditions. ClinVar contains an entry for this variant (Variation ID: 1794258). Algorithms developed to predict the effect of sequence changes on RNA splicing suggest that this variant may disrupt the consensus splice site. In summary, the available evidence is currently insufficient to determine the role of this variant in disease. Therefore, it has been classified as a Variant of Uncertain Significance.

Ambry Genetics
Classification: Uncertain significance for Cardiovascular phenotype. Last evaluated: 2023-03-24. Review status: criteria provided, single submitter. Criteria: Ambry Variant Classification Scheme 2023. Collection method: clinical testing. Allele origin: germline.
Comment: The c.2647-5T>G intronic variant results from a T to G substitution 5 nucleotides upstream from coding exon 20 in the LAMA4 gene. This nucleotide position is well conserved in available vertebrate species. In silico splice site analysis for this alteration is inconclusive. The evidence for this gene-disease relationship is limited; therefore, the clinical significance of this alteration is unclear.